The following is an entry in ClinVar:

NM_001776.6(ENTPD1):c.813+2C>G

Genes: ENTPD1 (ectonucleoside triphosphate diphosphohydrolase 1; plus strand), ENTPD1-AS1 (ENTPD1 antisense RNA 1; minus strand). Cytogenetic location: 10q24.1.
Variant type: single nucleotide variant.
Coding change: c.813+2C>G on transcript NM_001776.6 (MANE Select); the canonical splice donor site of the intron after coding-DNA position 813, C replaced by G.
Molecular consequence: splice donor variant.
Genome position (GRCh38, 1-based): chr10:95,845,598, C>G. VCF-style: chr10-95845598-C-G. GRCh37 (hg19) VCF-style: chr10-97605355-C-G.
Other names: c.834+2C>G (NM_001098175.2); c.489+2C>G (NM_001312654.1, NM_001164181.1); c.849+2C>G (NM_001164178.1, NM_001320916.1); c.813+2C>G (NM_001164179.2); c.399+2C>G (NM_001164182.2, NM_001164183.2).
Identifiers: ClinVar variation 3638856 (VCV003638856.2).

ClinVar aggregate classification (germline): Likely pathogenic (1 of 4 stars; one submission).

Conditions:
Hereditary spastic paraplegia 64. Also called: Spastic paraplegia 64, autosomal recessive; ENTPD1-Related Neurodevelopmental Disorder. Identifiers: Orphanet 401810, MedGen C3810289, MONDO:0014303, OMIM 615683.

Submission:

Labcorp Genetics (formerly Invitae), Labcorp
Classification: Likely pathogenic for Hereditary spastic paraplegia 64. Last evaluated: 2024-10-01. Review status: criteria provided, single submitter. Criteria: Invitae Variant Classification Sherloc (09022015). Collection method: clinical testing. Allele origin: germline.
Comment: This sequence change affects a donor splice site in intron 6 of the ENTPD1 gene. It is expected to disrupt RNA splicing. Variants that disrupt the donor or acceptor splice site typically lead to a loss of protein function (PMID: 16199547), and loss-of-function variants in ENTPD1 are known to be pathogenic (PMID: 24482476, 29691679). This variant is not present in population databases (gnomAD no frequency). This variant has not been reported in the literature in individuals affected with ENTPD1-related conditions. Variants that disrupt the consensus splice site are a relatively common cause of aberrant splicing (PMID: 17576681, 9536098). Algorithms developed to predict the effect of sequence changes on RNA splicing suggest that this variant may disrupt the consensus splice site. In summary, the currently available evidence indicates that the variant is pathogenic, but additional data are needed to prove that conclusively. Therefore, this variant has been classified as Likely Pathogenic.

Literature cited by the submitters: PubMed 16199547; PubMed 24482476; PubMed 29691679; PubMed 17576681; PubMed 9536098.